The following is an entry in ClinVar:

NM_001130144.3(LTBP3):c.3437G>T (p.Gly1146Val)

Gene: LTBP3 (latent transforming growth factor beta binding protein 3; minus strand). Cytogenetic location: 11q13.1.
Variant type: single nucleotide variant.
Coding change: c.3437G>T on transcript NM_001130144.3 (MANE Select); coding-DNA position 3437, G replaced by T.
Protein change: p.Gly1146Val; replaces glycine 1146 with valine.
Molecular consequence: missense variant.
Genome position (GRCh38, 1-based): chr11:65,539,830, C>A on the plus strand (G>T on the coding strand, the complement: LTBP3 is on the minus strand). VCF-style: chr11-65539830-C-A. GRCh37 (hg19) VCF-style: chr11-65307301-C-A.
Other names: c.2945G>T, p.Gly982Val (NM_001164266.1); c.3296G>T, p.Gly1099Val (NM_021070.4); short protein forms G982V, G1099V, G1146V.
Identifiers: ClinVar variation 2561485 (VCV002561485.5), dbSNP rs926322628, ClinGen allele CA224008795.

ClinVar aggregate classification (germline): Uncertain significance. Review status: criteria provided, multiple submitters, no conflicts (2 of 4 stars). 2 submissions from 2 submitters: Uncertain significance (2). Last evaluated 2025-06-20.

Conditions:
Inborn genetic diseases. Identifiers: MedGen C0950123, MeSH D030342.
Brachyolmia-amelogenesis imperfecta syndrome. Also called: PLATYSPONDYLY WITH AMELOGENESIS IMPERFECTA; Tooth agenesis, selective, 6; Dental anomalies and short stature. Identifiers: Orphanet 2899, MedGen C1832594, MONDO:0011018, OMIM 601216. Disease mechanism: loss of function.

Submissions (2):

Ambry Genetics
Classification: Uncertain significance for Inborn genetic diseases. Last evaluated: 2025-06-20. Review status: criteria provided, single submitter. Criteria: Ambry Variant Classification Scheme 2023. Collection method: clinical testing. Allele origin: germline.
Comment: The p.G1146V variant (also known as c.3437G>T), located in coding exon 25 of the LTBP3 gene, results from a G to T substitution at nucleotide position 3437. The glycine at codon 1146 is replaced by valine, an amino acid with dissimilar properties. This amino acid position is conserved. In addition, this alteration is predicted to be deleterious by in silico analysis. Since supporting evidence is limited at this time, the clinical significance of this alteration remains unclear.

Labcorp Genetics (formerly Invitae), Labcorp
Classification: Uncertain significance for Brachyolmia-amelogenesis imperfecta syndrome. Last evaluated: 2024-06-03. Review status: criteria provided, single submitter. Criteria: Invitae Variant Classification Sherloc (09022015). Collection method: clinical testing. Allele origin: germline.
Comment: This sequence change replaces glycine, which is neutral and non-polar, with valine, which is neutral and non-polar, at codon 1146 of the LTBP3 protein (p.Gly1146Val). This variant is not present in population databases (gnomAD no frequency). This variant has not been reported in the literature in individuals affected with LTBP3-related conditions. ClinVar contains an entry for this variant (Variation ID: 2561485). An algorithm developed to predict the effect of missense changes on protein structure and function (PolyPhen-2) suggests that this variant is likely to be disruptive. In summary, the available evidence is currently insufficient to determine the role of this variant in disease. Therefore, it has been classified as a Variant of Uncertain Significance.